The following is an entry in ClinVar:

ClinVar aggregate classification (germline): Pathogenic. Review status: criteria provided, multiple submitters, no conflicts (2 of 4 stars). 25 submissions from 25 submitters: Pathogenic (24). 1 of the submissions does not count toward it. Last evaluated 2026-08-01.

Conditions:
ATP7B-related disorder. Also called: ATP7B-related condition.
Inborn genetic diseases. Identifiers: MedGen C0950123, MeSH D030342.
Wilson disease (WND). Also called: Wilson's disease. Identifiers: Orphanet 905, MedGen C0019202, MONDO:0010200, OMIM 277900. Disease mechanism: loss of function.

Allele frequency attached by ClinVar (database versions not stated): gnomAD 0.00009 and 0.00008; ESP Exome Variant Server 0.00016; gnomAD exomes 0.00008 and 0.00015; ExAC 0.00004; TOPMed 0.00007.
gnomAD v4.1: 226 of 1,614,016 alleles (0.014%); highest among the groups gnomAD compares: Middle Eastern, 0.049%; 1 homozygote.

Submissions 1 to 11 of 25:

CeGaT Center for Human Genetics Tuebingen
Classification: Pathogenic. Last evaluated: 2026-08-01. Review status: criteria provided, single submitter. Criteria: CeGaT Center For Human Genetics Tuebingen Variant Classification Criteria Version 2. Collection method: clinical testing. Allele origin: germline. Affected: yes. Observed: 2 variant alleles.
Comment: ATP7B: PM3:Very Strong, PVS1, PM2

Labcorp Genetics (formerly Invitae), Labcorp
Classification: Pathogenic for Wilson disease. Last evaluated: 2026-01-24. Review status: criteria provided, single submitter. Criteria: Invitae Variant Classification Sherloc (09022015). Collection method: clinical testing. Allele origin: germline.
Comment: This sequence change creates a premature translational stop signal (p.Arg1319*) in the ATP7B gene. It is expected to result in an absent or disrupted protein product. Loss-of-function variants in ATP7B are known to be pathogenic (PMID: 10441329, 16283883). This variant is present in population databases (rs193922109, gnomAD 0.01%). This premature translational stop signal has been observed in individual(s) with Wilson disease (PMID: 893844, 7626145, 15024742, 15952988, 18483695, 21682854, 21796144, 23518715, 27022412). ClinVar contains an entry for this variant (Variation ID: 35728). For these reasons, this variant has been classified as Pathogenic.

Otogenetics
Classification: Pathogenic for Wilson disease. Last evaluated: 2026-01-16. Review status: criteria provided, single submitter. Criteria: ACMG Guidelines, 2015. Collection method: clinical testing. Allele origin: germline.
Comment: PVS1: Stop gain variant introduces premature stop codon in gene with loss of function as mechanism of disease, predicted to undergo NMD; PM2: Maximum gnomAD MAF of 0.0493% in Middle Eastern (MID) subpopulation (<0.27% threshold); PM3_VeryStrong: Variant reported in homozygous state in seven affected individuals and in trans with 6 pathogenic variants in 6 individuals affected with Wilson disease (PMID: 15024742, 18483695, 25497208, 29085216, 32513368, 33879678, 39933775)

Color Diagnostics, LLC DBA Color Health
Classification: Pathogenic for Wilson disease. Last evaluated: 2025-11-24. Review status: criteria provided, single submitter. Criteria: ACMG Guidelines, 2015. Collection method: clinical testing. Allele origin: germline.
Comment: This variant changes 1 nucleotide in exon 19 of the ATP7B gene, creating a premature translation stop signal. This variant is expected to result in an absent or non-functional protein product. This variant has been observed in the compound heterozygous state or homozygous state in many individuals affected with autosomal recessive Wilson disease (PMID: 7626145, 8533760, 8938442, 9311736, 10544227, 11472373,15024742, 15952988, 16545904, 17897870, 18034201, 18371106, 18483695, 19118915, 20967755, 21682854, 21796144, 23333878, 23518715, 27022412, 31708252), indicating that this variant contributes to disease. This variant has been identified in 20/280972 chromosomes in the general population by the Genome Aggregation Database (gnomAD). Loss of ATP7B function is a known mechanism of disease. Based on the available evidence, this variant is classified as Pathogenic.

PreventionGenetics, part of Exact Sciences
Classification: Pathogenic for ATP7B-related condition. Last evaluated: 2025-11-19. Review status: criteria provided, single submitter. Criteria: ACMG Guidelines, 2015. Collection method: clinical testing. Allele origin: germline.
Comment: The ATP7B c.3955C>T variant is predicted to result in premature protein termination (p.Arg1319*). This variant has been reported to be pathogenic for Wilson disease (Thomas et al. 1995. PubMed ID: 7626145, reported as p.Arg1320*; Dong et al. 2016. PubMed ID: 27022412; Coffey et al. 2013. PubMed ID: 23518715). We interpret this variant as pathogenic.

Natera, Inc.
Classification: Pathogenic for Wilson disease. Last evaluated: 2025-10-27. Review status: criteria provided, single submitter. Criteria: Natera Variant Classification Schema (03/2026). Collection method: clinical testing. Allele origin: germline.
Comment: The c.3955C>T variant in ATP7B is a nonsense variant predicted to introduce a stop codon at amino acid 1319. This variant is expected to result in nonsense mediated decay, truncation, or a dysfunctional protein product. This variant is rare in the general population with a frequency below the threshold expected for the associated phenotype(s). This variant has been observed in one or more individuals affected with the associated recessive disease, as either homozygous or compound heterozygous with a second variant (PMID: 25497208, 11472373). Given the available evidence, this variant is classified as Pathogenic.

ARUP Laboratories, Molecular Genetics and Genomics, ARUP Laboratories
Classification: Pathogenic for Wilson disease. Last evaluated: 2025-05-12. Review status: criteria provided, single submitter. Criteria: ARUP Molecular Germline Variant Investigation Process 2024. Collection method: clinical testing. Allele origin: germline.
Comment: The ATP7B c.3955C>T; p.Arg1319Ter variant (rs193922109) is described in the medical literature in individuals with Wilson disease (Deguti 2004, Margarit 2005, Waldenstrom 1996). The variant is listed as pathogenic by several sources in the ClinVar database (Variation ID: 35728). This variant is found in the general population in 21 out of 277212 alleles in the Genome Aggregation Database. This variant induces an early termination codon and is predicted to result in a truncated protein or mRNA subject to nonsense-mediated decay. Considering available information, this variant is classified as pathogenic. References: Deguti MM et al. Wilson disease: novel mutations in the ATP7B gene and clinical correlation in Brazilian patients. Hum Mutat. 2004 Apr;23(4):398. Margarit E et al. Mutation analysis of Wilson disease in the Spanish population -- identification of a prevalent substitution and eight novel mutations in the ATP7B gene. Clin Genet. 2005 Jul;68(1):61-8. Waldenstrom E et al. Efficient detection of mutations in Wilson disease by manifold sequencing. Genomics. 1996 Nov 1;37(3):303-9.

Victorian Clinical Genetics Services, Murdoch Childrens Research Institute
Classification: Pathogenic for Wilson disease. Last evaluated: 2024-10-09. Review status: criteria provided, single submitter. Criteria: ACMG Guidelines, 2015. Collection method: clinical testing. Allele origin: germline. Inheritance: Autosomal recessive inheritance.
Comment: Based on the classification scheme VCGS_Germline_v1.3.4, this variant is classified as Pathogenic. Following criteria are met: 0102 - Loss of function is a known mechanism of disease in this gene and is associated with Wilson disease (MIM#277900). (I) 0106 - This gene is associated with autosomal recessive disease. (I) 0201 - Variant is predicted to cause nonsense-mediated decay (NMD) and loss of protein (premature termination codon is located at least 54 nucleotides upstream of the final exon-exon junction). (SP) 0251 - This variant is heterozygous. (I) 0304 - Variant is present in gnomAD <0.01 for a recessive condition (v2: 19 heterozygotes, 0 homozygotes). (SP) 0701 - Other NMD-predicted variants comparable to the one identified in this case have very strong previous evidence for pathogenicity (DECIPHER). (SP) 0801 - This variant has strong previous evidence of pathogenicity in unrelated individuals. It has been identified in individuals with Wilson disease and classified as pathogenic by diagnostic laboratories in ClinVar (PMID: 32513368). (I) Legend: (SP) - Supporting pathogenic, (I) - Information, (SB) - Supporting benign

All of Us Research Program, National Institutes of Health
Classification: Pathogenic for Wilson disease. Last evaluated: 2024-09-11. Review status: criteria provided, single submitter. Criteria: ACMG Guidelines, 2015. Collection method: clinical testing. Allele origin: germline. Inheritance: Autosomal recessive inheritance. Observed: 29 variant alleles, 29 heterozygotes.
Comment: This variant changes 1 nucleotide in exon 19 of the ATP7B gene, creating a premature translation stop signal. This variant is expected to result in an absent or non-functional protein product. This variant has been observed in the compound heterozygous state or homozygous state in many individuals affected with autosomal recessive Wilson disease (PMID: 7626145, 8533760, 8938442, 9311736, 10544227, 11472373,15024742, 15952988, 16545904, 17897870, 18034201, 18371106, 18483695, 19118915, 20967755, 21682854, 21796144, 23333878, 23518715, 27022412, 31708252), indicating that this variant contributes to disease. This variant has been identified in 20/280972 chromosomes in the general population by the Genome Aggregation Database (gnomAD). Loss of ATP7B function is a known mechanism of disease. Based on the available evidence, this variant is classified as Pathogenic.

This study involves interpretation of variants in research participants for the purpose of population health screening. Participant phenotype was not available at the time of variant classification. Additional details can be found in publication PMID: 35346344, PMCID: PMC8962531

Blueprint Genetics
Classification: Pathogenic for ATP7B-related disorders. Last evaluated: 2024-06-19. Review status: criteria provided, single submitter. Criteria: ACMG Guidelines, 2015. Collection method: clinical testing. Allele origin: germline. Affected: yes. Observed: 5 variant alleles.

Baylor Genetics
Classification: Pathogenic for Wilson disease. Last evaluated: 2024-03-16. Review status: criteria provided, single submitter. Criteria: ACMG Guidelines, 2015. Collection method: clinical testing. Allele origin: unknown.

NM_000053.4(ATP7B):c.3955C>T (p.Arg1319Ter)

Gene: ATP7B (ATPase copper transporting beta; minus strand). Cytogenetic location: 13q14.3.
Variant type: single nucleotide variant.
Coding change: c.3955C>T on transcript NM_000053.4 (MANE Select); coding-DNA position 3955, C replaced by T.
Protein change: p.Arg1319Ter; replaces arginine 1319 with a stop codon.
Molecular consequence: nonsense.
Genome position (GRCh38, 1-based): chr13:51,937,342, G>A on the plus strand (C>T on the coding strand, the complement: ATP7B is on the minus strand). VCF-style: chr13-51937342-G-A. GRCh37 (hg19) VCF-style: chr13-52511478-G-A.
Other names: c.3334C>T, p.Arg1112Ter (NM_001005918.3); c.3622C>T, p.Arg1208Ter (NM_001243182.2); c.3721C>T, p.Arg1241Ter (NM_001330578.2); c.3703C>T, p.Arg1235Ter (NM_001330579.2); short protein forms R1319*, R1112*, R1208*, R1235*, R1241*.
Identifiers: ClinVar variation 35728 (VCV000035728.91), dbSNP rs193922109, ClinGen allele CA260148.
Genomic context (GRCh38, chr13:51,937,342, plus strand): 5'-CAATGGGTATCCCAACCAGGTTATAAATCAGTGCCAGGACCAGGTTGATGCGTATCCTTC[G>A]GACAGTCCTCTTGGAAAGGTGAATGCTAGCCACCACATCCAGCAAATCATTCTGATGGAG-3'